The following is an entry in ClinVar:

NM_000539.3(RHO):c.101C>T (p.Pro34Leu)

Gene: RHO (rhodopsin; plus strand). Cytogenetic location: 3q22.1.
Variant type: single nucleotide variant.
Coding change: c.101C>T on transcript NM_000539.3 (MANE Select); coding-DNA position 101, C replaced by T.
Protein change: p.Pro34Leu; replaces proline 34 with leucine.
Molecular consequence: missense variant.
Genome position (GRCh38, 1-based): chr3:129,528,834, C>T. VCF-style: chr3-129528834-C-T. GRCh37 (hg19) VCF-style: chr3-129247677-C-T.
Other names: short protein forms P34L.
Identifiers: ClinVar variation 1052083 (VCV001052083.11), dbSNP rs2108749194, ClinGen allele CA354495719.
Genomic context (GRCh38, chr3:129,528,834, plus strand): 5'-CCAATGCGACGGGTGTGGTACGCAGCCCCTTCGAGTACCCACAGTACTACCTGGCTGAGC[C>T]ATGGCAGTTCTCCATGCTGGCCGCCTACATGTTTCTGCTGATCGTGCTGGGCTTCCCCAT-3'
Protein context (NP_000530.1, residues 24-44): FEYPQYYLAE[Pro34Leu]WQFSMLAAYM

ClinVar aggregate classification (germline): Uncertain significance. Review status: criteria provided, multiple submitters, no conflicts (2 of 4 stars). 2 submissions from 2 submitters: Uncertain significance (2). Last evaluated 2022-07-11.

Allele frequency attached by ClinVar (database versions not stated): gnomAD exomes below 0.00001.
gnomAD v4.1: 1 of 1,614,258 alleles (0.000062%); highest among the groups gnomAD compares: Admixed American, 0.0017%; no homozygotes.

Submissions (2):

Labcorp Genetics (formerly Invitae), Labcorp
Classification: Uncertain significance. Last evaluated: 2022-07-11. Review status: criteria provided, single submitter. Criteria: Invitae Variant Classification Sherloc (09022015). Collection method: clinical testing. Allele origin: germline.
Comment: ClinVar contains an entry for this variant (Variation ID: 1052083). This variant has not been reported in the literature in individuals affected with RHO-related conditions. This variant is not present in population databases (gnomAD no frequency). This sequence change replaces proline, which is neutral and non-polar, with leucine, which is neutral and non-polar, at codon 34 of the RHO protein (p.Pro34Leu). In summary, the available evidence is currently insufficient to determine the role of this variant in disease. Therefore, it has been classified as a Variant of Uncertain Significance. Advanced modeling of protein sequence and biophysical properties (such as structural, functional, and spatial information, amino acid conservation, physicochemical variation, residue mobility, and thermodynamic stability) performed at Invitae indicates that this missense variant is not expected to disrupt RHO protein function.

Blueprint Genetics
Classification: Uncertain significance. Last evaluated: 2020-09-29. Review status: criteria provided, single submitter. Criteria: ACMG Guidelines, 2015. Collection method: clinical testing. Allele origin: germline.